The following is an entry in ClinVar:

ClinVar aggregate classification (germline): Uncertain significance (1 of 4 stars; one submission).

Conditions:
TTN-related disorder. Also called: TTN-related disorders; TTN-related condition; TTN-related disease.

gnomAD v4.1: 1 of 1,609,412 alleles (0.000062%); highest among the groups gnomAD compares: African/African-American, 0.0013%; no homozygotes.

Submission:

PreventionGenetics, part of Exact Sciences
Classification: Uncertain significance for TTN-related condition. Last evaluated: 2025-10-09. Review status: criteria provided, single submitter. Criteria: ACMG Guidelines, 2015. Collection method: clinical testing. Allele origin: germline.
Comment: The TTN c.66106T>C variant is predicted to result in the amino acid substitution p.Tyr22036His. To our knowledge, this variant has not been reported in the literature or in a large population database (gnomAD), indicating this variant is rare. At this time, the clinical significance of this variant is uncertain due to the absence of conclusive functional and genetic evidence.

NM_001267550.2(TTN):c.66106T>C (p.Tyr22036His)

Genes: TTN (titin; minus strand), TTN-AS1 (TTN antisense RNA 1; plus strand). Cytogenetic location: 2q31.2.
Variant type: single nucleotide variant.
Coding change: c.66106T>C on transcript NM_001267550.2 (MANE Select); coding-DNA position 66106, T replaced by C.
Protein change: p.Tyr22036His; replaces tyrosine 22036 with histidine.
Molecular consequence: missense variant.
Genome position (GRCh38, 1-based): chr2:178,582,350, A>G on the plus strand (T>C on the coding strand, the complement: TTN is on the minus strand). VCF-style: chr2-178582350-A-G. GRCh37 (hg19) VCF-style: chr2-179447077-A-G.
Other names: c.61183T>C, p.Tyr20395His (NM_001256850.1); c.38911T>C, p.Tyr12971His (NM_003319.4); c.58402T>C, p.Tyr19468His (NM_133378.4); c.39286T>C, p.Tyr13096His (NM_133432.3); c.39487T>C, p.Tyr13163His (NM_133437.4); short protein forms Y13163H, Y12971H, Y19468H, Y20395H, Y22036H, Y13096H.
Identifiers: ClinVar variation 4990044 (VCV004990044.1).